The following is an entry in ClinVar:

NM_014991.6(WDFY3):c.1928C>T (p.Thr643Ile)

Genes: WDFY3 (WD repeat and FYVE domain containing 3; minus strand), WDFY3-AS1 (WDFY3 antisense RNA 1; plus strand). Cytogenetic location: 4q21.23.
Variant type: single nucleotide variant.
Coding change: c.1928C>T on transcript NM_014991.6 (MANE Select); coding-DNA position 1928, C replaced by T.
Protein change: p.Thr643Ile; replaces threonine 643 with isoleucine.
Molecular consequence: missense variant. On other transcripts: non-coding transcript variant (1).
Genome position (GRCh38, 1-based): chr4:84,810,304, G>A on the plus strand (C>T on the coding strand, the complement: WDFY3 is on the minus strand). VCF-style: chr4-84810304-G-A. GRCh37 (hg19) VCF-style: chr4-85731457-G-A.
Other names: short protein forms T643I.
Identifiers: ClinVar variation 3767709 (VCV003767709.2).
Genomic context (GRCh38, chr4:84,810,304, plus strand): 5'-CTTTCCATAGCAACGAGCAAGGATGTAATGTACACAAATCCTCCAACTTTCCTAAAAACT[G>A]TTCTTGAACGATGGCTTTCTCGAAGGACCGACAGGAGGGCCTACAGGAGACAAAAGAAAA-3'
Protein context (NP_055806.2, residues 633-653): SVLRESHRSR[Thr643Ile]VFRKVGGFVY

ClinVar aggregate classification (germline): Uncertain significance (1 of 4 stars; one submission).

gnomAD v4.1: 1 of 1,604,068 alleles (0.000062%); highest among the groups gnomAD compares: East Asian, 0.0023%; no homozygotes.

Submission:

GeneDx
Classification: Uncertain significance. Last evaluated: 2026-08-31. Review status: criteria provided, single submitter. Criteria: GeneDx Variant Classification Process June 2021. Collection method: clinical testing. Allele origin: germline.
Comment: In silico analysis supports that this missense variant has a deleterious effect on protein structure/function; Has not been previously published as pathogenic or benign to our knowledge